The following is an entry in ClinVar:

NM_002528.7(NTHL1):c.324G>C (p.Glu108Asp)

Gene: NTHL1 (nth like DNA glycosylase 1; minus strand). Cytogenetic location: 16p13.3.
Variant type: single nucleotide variant.
Coding change: c.324G>C on transcript NM_002528.7 (MANE Select); coding-DNA position 324, G replaced by C.
Protein change: p.Glu108Asp; replaces glutamic acid 108 with aspartic acid.
Molecular consequence: missense variant. On other transcripts: intron variant (1).
Genome position (GRCh38, 1-based): chr16:2,046,158, C>G on the plus strand (G>C on the coding strand, the complement: NTHL1 is on the minus strand). VCF-style: chr16-2046158-C-G. GRCh37 (hg19) VCF-style: chr16-2096159-C-G.
Other names: c.324G>C, p.Glu108Asp (NM_001318193.2); c.24+122G>C (NM_001318194.2); short protein forms E108D.
Identifiers: ClinVar variation 5025891 (VCV005025891.1).

ClinVar aggregate classification (germline): Uncertain significance (1 of 4 stars; one submission).

Conditions:
Hereditary cancer-predisposing syndrome. Also called: Neoplastic Syndromes, Hereditary; Tumor predisposition; Hereditary neoplastic syndrome; Hereditary Cancer Syndrome. Identifiers: Orphanet 140162, MedGen C0027672, MeSH D009386, MONDO:0015356.

gnomAD v4.1: 1 of 1,613,180 alleles (0.000062%); highest among the groups gnomAD compares: Non-Finnish European, 0.000085%; no homozygotes.

Submission:

Ambry Genetics
Classification: Uncertain significance for Hereditary cancer-predisposing syndrome. Last evaluated: 2026-07-06. Review status: criteria provided, single submitter. Criteria: Ambry Variant Classification Scheme 2023. Collection method: clinical testing. Allele origin: germline.
Comment: The p.E116D variant (also known as c.348G>C), located in coding exon 2 of the NTHL1 gene, results from a G to C substitution at nucleotide position 348. The glutamic acid at codon 116 is replaced by aspartic acid, an amino acid with highly similar properties. This amino acid position is conserved. In addition, this alteration is predicted to be tolerated by in silico analysis. Based on the available evidence, the clinical significance of this variant remains unclear.